The following is an entry in ClinVar:

NM_000127.3(EXT1):c.835_836del (p.Thr279fs)

Gene: EXT1 (exostosin glycosyltransferase 1; minus strand). Cytogenetic location: 8q24.11.
Variant type: Microsatellite.
Coding change: c.835_836del on transcript NM_000127.3 (MANE Select); coding-DNA positions 835 to 836, 2 bases deleted (AC; older notation c.835_836delAC).
Protein change: p.Thr279fs; shifts the reading frame from threonine 279.
Molecular consequence: frameshift variant.
Genome position (GRCh38, 1-based): chr8:118,110,211-118,110,212, GT deleted on the plus strand (AC on the coding strand, the reverse complement: EXT1 is on the minus strand); deleting any 2 consecutive bases within chr8:118,110,211-118,110,214 gives the same sequence; the c. name uses the placement nearest the transcript's 3' end. VCF-style (leftmost placement, unchanged base first): chr8-118110210-GGT-G. GRCh37 (hg19) VCF-style: chr8-119122449-GGT-G.
Other names: short protein forms T279fs.
Identifiers: ClinVar variation 4735606 (VCV004735606.1).

ClinVar aggregate classification (germline): Pathogenic (1 of 4 stars; one submission).

Conditions:
Multiple congenital exostosis (EXT). Also called: Hereditary multiple osteochondromas; MULTIPLE CARTILAGINOUS EXOSTOSES; Hereditary multiple exostoses; Hereditary multiple exostosis; Multiple osteochondromas; Multiple exostoses. Identifiers: Orphanet 321, MedGen C0015306, MONDO:0005508, HP:0002762.

Submission:

Labcorp Genetics (formerly Invitae), Labcorp
Classification: Pathogenic for Multiple congenital exostosis. Last evaluated: 2026-01-18. Review status: criteria provided, single submitter. Criteria: Invitae Variant Classification Sherloc (09022015). Collection method: clinical testing. Allele origin: germline.
Comment: This sequence change creates a premature translational stop signal (p.Thr279Glnfs*9) in the EXT1 gene. It is expected to result in an absent or disrupted protein product. Loss-of-function variants in EXT1 are known to be pathogenic (PMID: 10679937, 11391482, 19810120). This variant is not present in population databases (gnomAD no frequency). This variant has not been reported in the literature in individuals affected with EXT1-related conditions. For these reasons, this variant has been classified as Pathogenic.

Literature cited by the submitters: PubMed 10679937; PubMed 11391482; PubMed 19810120.